The following is an entry in ClinVar:

ClinVar aggregate classification (germline): Pathogenic/Likely pathogenic. Review status: criteria provided, multiple submitters, no conflicts (2 of 4 stars). 2 submissions from 2 submitters: Pathogenic (1); Likely pathogenic (1). Last evaluated 2022-11-06.

Conditions:
ABCA4-related disorder. Also called: ABCA4-related disorders; ABCA4-related condition. Identifiers: MedGen CN239167.

Allele frequency attached by ClinVar (database versions not stated): TOPMed below 0.00001.

Submissions (2):

Labcorp Genetics (formerly Invitae), Labcorp
Classification: Pathogenic. Last evaluated: 2022-11-06. Review status: criteria provided, single submitter. Criteria: Invitae Variant Classification Sherloc (09022015). Collection method: clinical testing. Allele origin: germline.
Comment: For these reasons, this variant has been classified as Pathogenic. Algorithms developed to predict the effect of sequence changes on RNA splicing suggest that this variant may disrupt the consensus splice site. Disruption of this splice site has been observed in individual(s) with Stargardt disease (PMID: 24011517). This variant is not present in population databases (gnomAD no frequency). This sequence change affects a donor splice site in intron 13 of the ABCA4 gene. It is expected to disrupt RNA splicing. Variants that disrupt the donor or acceptor splice site typically lead to a loss of protein function (PMID: 16199547), and loss-of-function variants in ABCA4 are known to be pathogenic (PMID: 10958761, 24938718, 25312043, 26780318).

Blueprint Genetics
Classification: Likely pathogenic for ABCA4-related disorders. Last evaluated: 2019-10-08. Review status: criteria provided, single submitter. Criteria: ACMG Guidelines, 2015. Collection method: clinical testing. Allele origin: germline. Affected: yes. Observed: 1 variant allele.

Literature cited by the submitters: PubMed 24011517 (cited by Labcorp Genetics (formerly Invitae), Labcorp); PubMed 16199547 (cited by Labcorp Genetics (formerly Invitae), Labcorp); PubMed 10958761 (cited by Labcorp Genetics (formerly Invitae), Labcorp); PubMed 24938718 (cited by Labcorp Genetics (formerly Invitae), Labcorp); PubMed 25312043 (cited by Labcorp Genetics (formerly Invitae), Labcorp); PubMed 26780318 (cited by Labcorp Genetics (formerly Invitae), Labcorp).

NM_000350.3(ABCA4):c.1937+1G>C

Gene: ABCA4 (ATP binding cassette subfamily A member 4; minus strand). Cytogenetic location: 1p22.1.
Variant type: single nucleotide variant.
Coding change: c.1937+1G>C on transcript NM_000350.3 (MANE Select); the canonical splice donor site of the intron after coding-DNA position 1937, G replaced by C.
Molecular consequence: splice donor variant.
Genome position (GRCh38, 1-based): chr1:94,062,576, C>G on the plus strand (G>C on the coding strand, the complement: ABCA4 is on the minus strand). VCF-style: chr1-94062576-C-G. GRCh37 (hg19) VCF-style: chr1-94528132-C-G.
Identifiers: ClinVar variation 2733938 (VCV002733938.4), dbSNP rs61752401, ClinGen allele CA341279107.